The following is an entry in ClinVar:

NM_000048.4(ASL):c.697A>C (p.Thr233Pro)

Gene: ASL (argininosuccinate lyase; plus strand). Cytogenetic location: 7q11.21.
Variant type: single nucleotide variant.
Coding change: c.697A>C on transcript NM_000048.4 (MANE Select); coding-DNA position 697, A replaced by C.
Protein change: p.Thr233Pro; replaces threonine 233 with proline.
Molecular consequence: missense variant.
Genome position (GRCh38, 1-based): chr7:66,087,770, A>C. VCF-style: chr7-66087770-A-C. GRCh37 (hg19) VCF-style: chr7-65552757-A-C.
Other names: c.697A>C, p.Thr233Pro (NM_001024943.2, NM_001024944.2); c.619A>C, p.Thr207Pro (NM_001024946.2); short protein forms T207P, T233P.
Identifiers: ClinVar variation 3775813 (VCV003775813.1).
Genomic context (GRCh38, chr7:66,087,770, plus strand): 5'-CTTCCTCCCACCCCCCCAGAACTCAACTTTGGGGCCATCACTCTCAACAGCATGGATGCC[A>C]CTAGTGAGCGGGACTTTGTGGGTGAGTCCTGGGGAGCCAGTCCCCTGCCCTGTGCCTCAC-3'
Protein context (NP_000039.2, residues 223-243): GAITLNSMDA[Thr233Pro]SERDFVAEFL

ClinVar aggregate classification (germline): Uncertain significance (1 of 4 stars; one submission).

Conditions:
Argininosuccinate lyase deficiency. Also called: Argininosuccinic aciduria; ARGININOSUCCINIC ACID LYASE DEFICIENCY; ASL DEFICIENCY. Identifiers: Orphanet 23, MedGen C0268547, MONDO:0008815, OMIM 207900, HP:0025630.

Submission:

3billion
Classification: Uncertain significance for Argininosuccinate lyase deficiency. Last evaluated: 2023-09-08. Review status: criteria provided, single submitter. Criteria: ACMG Guidelines, 2015. Collection method: clinical testing. Allele origin: germline. Affected: yes.
Comment: The variant is not observed in the gnomAD v2.1.1 dataset. Predicted Consequence/Location: Missense variant In silico tool predictions suggest damaging effect of the variant on gene or gene product [REVEL: 0.90 (>=0.6, sensitivity 0.68 and specificity 0.92); 3Cnet: 0.81 (>=0.6, sensitivity 0.72 and precision 0.9)]. Therefore, this variant is classified as VUS according to the recommendation of ACMG/AMP guideline.